The following is an entry in ClinVar:

ClinVar aggregate classification (germline): Uncertain significance (1 of 4 stars; one submission).

Conditions:
Charcot-Marie-Tooth disease, type I (CMT1). Also called: Charcot-Marie-Tooth, Type 1; Charcot-Marie-Tooth disease type 1. Identifiers: Orphanet 65753, MedGen C0751036, MONDO:0019011.

Allele frequency attached by ClinVar (database versions not stated): gnomAD exomes below 0.00001.
gnomAD v4.1: 1 of 1,614,136 alleles (0.000062%); highest among the groups gnomAD compares: Non-Finnish European, 0.000085%; no homozygotes.

Submission:

Labcorp Genetics (formerly Invitae), Labcorp
Classification: Uncertain significance for Charcot-Marie-Tooth disease, type I. Last evaluated: 2020-11-13. Review status: criteria provided, single submitter. Criteria: Invitae Variant Classification Sherloc (09022015). Collection method: clinical testing. Allele origin: germline.
Comment: This variant is not present in population databases (ExAC no frequency). This variant has not been reported in the literature in individuals with EGR2-related conditions. Algorithms developed to predict the effect of missense changes on protein structure and function are either unavailable or do not agree on the potential impact of this missense change (SIFT: "Not Available"; PolyPhen-2: "Possibly Damaging"; Align-GVGD: "Not Available"). In summary, the available evidence is currently insufficient to determine the role of this variant in disease. Therefore, it has been classified as a Variant of Uncertain Significance. This sequence change replaces phenylalanine with isoleucine at codon 79 of the EGR2 protein (p.Phe79Ile). The phenylalanine residue is moderately conserved and there is a small physicochemical difference between phenylalanine and isoleucine.

NM_000399.5(EGR2):c.235T>A (p.Phe79Ile)

Gene: EGR2 (early growth response 2; minus strand). Cytogenetic location: 10q21.3.
Variant type: single nucleotide variant.
Coding change: c.235T>A on transcript NM_000399.5 (MANE Select); coding-DNA position 235, T replaced by A.
Protein change: p.Phe79Ile; replaces phenylalanine 79 with isoleucine.
Molecular consequence: missense variant.
Genome position (GRCh38, 1-based): chr10:62,814,403, A>T on the plus strand (T>A on the coding strand, the complement: EGR2 is on the minus strand). VCF-style: chr10-62814403-A-T. GRCh37 (hg19) VCF-style: chr10-64574163-A-T.
Other names: c.235T>A, p.Phe79Ile (NM_001136177.3, NM_001136178.2); c.85T>A, p.Phe29Ile (NM_001136179.3, NM_001321037.2); short protein forms F79I, F29I.
Identifiers: ClinVar variation 1514050 (VCV001514050.6), dbSNP rs1842209779, ClinGen allele CA377032136.
Genomic context (GRCh38, chr10:62,814,403, plus strand): 5'-CAATGGAGAACTTGCCCATGTAAGTGAAGGTCTGGTTTCTAGGTGCAGAGACGGGAGCAA[A>T]GCTGCTGGGATATGGGAGATCCAACGACCTCTTCTCTCCAGTCATGTCAATGTTGATCAT-3'
Protein context (NP_000390.2, residues 69-89): RSLDLPYPSS[Phe79Ile]APVSAPRNQT